The following is an entry in ClinVar:

ClinVar aggregate classification (germline): Uncertain significance (1 of 4 stars; one submission).

Conditions:
RYR1-related disorder. Also called: RYR1-related disorders; RYR1-related condition. Identifiers: MedGen CN239331.

Submission:

Labcorp Genetics (formerly Invitae), Labcorp
Classification: Uncertain significance for RYR1-related disorder. Last evaluated: 2023-10-03. Review status: criteria provided, single submitter. Criteria: Invitae Variant Classification Sherloc (09022015). Collection method: clinical testing. Allele origin: germline.
Comment: This sequence change replaces proline, which is neutral and non-polar, with alanine, which is neutral and non-polar, at codon 2712 of the RYR1 protein (p.Pro2712Ala). This variant is not present in population databases (gnomAD no frequency). This missense change has been observed in individual(s) with neuromuscular disease (PMID: 32403337). ClinVar contains an entry for this variant (Variation ID: 946358). Advanced modeling of protein sequence and biophysical properties (such as structural, functional, and spatial information, amino acid conservation, physicochemical variation, residue mobility, and thermodynamic stability) has been performed at Invitae for this missense variant, however the output from this modeling did not meet the statistical confidence thresholds required to predict the impact of this variant on RYR1 protein function. In summary, the available evidence is currently insufficient to determine the role of this variant in disease. Therefore, it has been classified as a Variant of Uncertain Significance.

Literature cited by the submitters: PubMed 32403337.

NM_000540.3(RYR1):c.8134C>G (p.Pro2712Ala)

Gene: RYR1 (ryanodine receptor 1; plus strand). Cytogenetic location: 19q13.2.
Variant type: single nucleotide variant.
Coding change: c.8134C>G on transcript NM_000540.3 (MANE Select); coding-DNA position 8134, C replaced by G.
Protein change: p.Pro2712Ala; replaces proline 2712 with alanine.
Molecular consequence: missense variant.
Genome position (GRCh38, 1-based): chr19:38,504,814, C>G. VCF-style: chr19-38504814-C-G. GRCh37 (hg19) VCF-style: chr19-38995454-C-G.
Other names: c.8134C>G, p.Pro2712Ala (NM_001042723.2); short protein forms P2712A.
Identifiers: ClinVar variation 946358 (VCV000946358.9), dbSNP rs267605464, ClinGen allele CA405676710.